The following is an entry in ClinVar:

ClinVar aggregate classification (germline): Uncertain significance (1 of 4 stars; one submission).

Conditions:
Fanconi anemia (FA). Also called: Fanconi's anemia. Identifiers: Orphanet 84, MedGen C0015625, MeSH D005199, MONDO:0019391.

gnomAD v4.1: 1 of 1,203,901 alleles (0.000083%); highest among the groups gnomAD compares: Non-Finnish European, 0.00011%; no homozygotes.

Submission:

Labcorp Genetics (formerly Invitae), Labcorp
Classification: Uncertain significance for Fanconi anemia. Last evaluated: 2026-01-12. Review status: criteria provided, single submitter. Criteria: Invitae Variant Classification Sherloc (09022015). Collection method: clinical testing. Allele origin: germline.
Comment: This sequence change replaces isoleucine, which is neutral and non-polar, with methionine, which is neutral and non-polar, at codon 42 of the FANCB protein (p.Ile42Met). This variant is not present in population databases (gnomAD no frequency). This variant has not been reported in the literature in individuals affected with FANCB-related conditions. Invitae Evidence Modeling of protein sequence and biophysical properties (such as structural, functional, and spatial information, amino acid conservation, physicochemical variation, residue mobility, and thermodynamic stability) indicates that this missense variant is not expected to disrupt FANCB protein function with a negative predictive value of 80%. In summary, the available evidence is currently insufficient to determine the role of this variant in disease. Therefore, it has been classified as a Variant of Uncertain Significance.

NM_001018113.3(FANCB):c.126A>G (p.Ile42Met)

Gene: FANCB (FA complementation group B; minus strand). Cytogenetic location: Xp22.2.
Variant type: single nucleotide variant.
Coding change: c.126A>G on transcript NM_001018113.3 (MANE Select); coding-DNA position 126, A replaced by G.
Protein change: p.Ile42Met; replaces isoleucine 42 with methionine.
Molecular consequence: missense variant. On other transcripts: non-coding transcript variant (1).
Genome position (GRCh38, 1-based): chrX:14,865,385, T>C on the plus strand (A>G on the coding strand, the complement: FANCB is on the minus strand). VCF-style: chrX-14865385-T-C. GRCh37 (hg19) VCF-style: chrX-14883507-T-C.
Other names: c.126A>G, p.Ile42Met (NM_001324162.2, NM_001410764.1, NM_152633.4); short protein forms I42M.
Identifiers: ClinVar variation 4810575 (VCV004810575.1).